The following is an entry in ClinVar:

NM_001134407.3(GRIN2A):c.2543G>A (p.Cys848Tyr)

Gene: GRIN2A (glutamate ionotropic receptor NMDA type subunit 2A; minus strand). Cytogenetic location: 16p13.2.
Variant type: single nucleotide variant.
Coding change: c.2543G>A on transcript NM_001134407.3 (MANE Select); coding-DNA position 2543, G replaced by A.
Protein change: p.Cys848Tyr; replaces cysteine 848 with tyrosine.
Molecular consequence: missense variant.
Genome position (GRCh38, 1-based): chr16:9,768,903, C>T on the plus strand (G>A on the coding strand, the complement: GRIN2A is on the minus strand). VCF-style: chr16-9768903-C-T. GRCh37 (hg19) VCF-style: chr16-9862760-C-T.
Other names: c.2543G>A, p.Cys848Tyr (NM_000833.5, NM_001134408.2); short protein forms C848Y.
Identifiers: ClinVar variation 435381 (VCV000435381.13), dbSNP rs779911797, ClinGen allele CA7896491.

ClinVar aggregate classification (germline): Uncertain significance. Review status: criteria provided, multiple submitters, no conflicts (2 of 4 stars). 3 submissions from 3 submitters: Uncertain significance (3). Last evaluated 2022-08-20.

Conditions:
Landau-Kleffner syndrome (FESD). Also called: EPILEPSY, FOCAL, WITH SPEECH DISORDER AND WITH OR WITHOUT MENTAL RETARDATION; APHASIA, ACQUIRED, WITH EPILEPSY. Identifiers: Orphanet 1945, Orphanet 725, Orphanet 98818, MedGen C0282512, MONDO:0009509, OMIM 245570.

Allele frequency attached by ClinVar (database versions not stated): ExAC 0.00002; gnomAD 0.00002; gnomAD exomes 0.00001 and 0.00002; TOPMed below 0.00001.
gnomAD v4.1: 13 of 1,614,120 alleles (0.00081%); highest among the groups gnomAD compares: African/African-American, 0.0027%; no homozygotes.

Submissions (3):

Labcorp Genetics (formerly Invitae), Labcorp
Classification: Uncertain significance for Landau-Kleffner syndrome. Last evaluated: 2022-08-20. Review status: criteria provided, single submitter. Criteria: Invitae Variant Classification Sherloc (09022015). Collection method: clinical testing. Allele origin: germline.
Comment: In summary, the available evidence is currently insufficient to determine the role of this variant in disease. Therefore, it has been classified as a Variant of Uncertain Significance. Advanced modeling of protein sequence and biophysical properties (such as structural, functional, and spatial information, amino acid conservation, physicochemical variation, residue mobility, and thermodynamic stability) performed at Invitae indicates that this missense variant is expected to disrupt GRIN2A protein function. ClinVar contains an entry for this variant (Variation ID: 435381). This variant has not been reported in the literature in individuals affected with GRIN2A-related conditions. This variant is present in population databases (rs779911797, gnomAD 0.01%). This sequence change replaces cysteine, which is neutral and slightly polar, with tyrosine, which is neutral and polar, at codon 848 of the GRIN2A protein (p.Cys848Tyr).

Blueprint Genetics
Classification: Uncertain significance. Last evaluated: 2020-11-18. Review status: criteria provided, single submitter. Criteria: ACMG Guidelines, 2015. Collection method: clinical testing. Allele origin: germline.

Genetic Services Laboratory, University of Chicago
Classification: Uncertain significance. Last evaluated: 2017-05-05. Review status: criteria provided, single submitter. Criteria: ACMG Guidelines, 2015. Collection method: clinical testing. Allele origin: germline. Affected: no.